The following is an entry in ClinVar:

ClinVar aggregate classification (germline): Conflicting classifications of pathogenicity. Review status: criteria provided, conflicting classifications (1 of 4 stars). 7 submissions from 7 submitters: Pathogenic (1); Likely pathogenic (4); Uncertain significance (1). 1 of the submissions does not count toward it. Last evaluated 2024-03-25.

Conditions:
Neurodevelopmental disorder with structural brain anomalies and dysmorphic facies (NEDBAF). Identifiers: Orphanet 659609, MedGen C5231416, MONDO:0032820, OMIM 618577.
Distal shortening of limbs. Identifiers: MedGen C1840307, HP:0006402.

Submissions (7):

GeneDx
Classification: Pathogenic. Last evaluated: 2024-03-25. Review status: criteria provided, single submitter. Criteria: GeneDx Variant Classification Process June 2021. Collection method: clinical testing. Allele origin: germline. Affected: yes.
Comment: Published functional studies demonstrate a damaging effect by increasing binding to Rac Binding Regions and increasing transcriptional activation of downstream signaling (PMID: 35851598); Not observed at significant frequency in large population cohorts (gnomAD); In silico analysis supports that this missense variant has a deleterious effect on protein structure/function; This variant is associated with the following publications: (PMID: 35851598, 35047859, 29276006)

3billion
Classification: Likely pathogenic for Neurodevelopmental disorder with structural brain anomalies and dysmorphic facies. Last evaluated: 2023-06-29. Review status: criteria provided, single submitter. Criteria: ACMG Guidelines, 2015. Collection method: clinical testing. Allele origin: germline. Affected: yes.
Comment: The variant is not observed in the gnomAD v2.1.1 dataset. Predicted Consequence/Location: Missense changes are a common disease-causing mechanism. In silico tool predictions suggest damaging effect of the variant on gene or gene product (REVEL: 0.64; 3Cnet: 0.97). Same nucleotide change resulting in same amino acid change has been previously reported to be associated with RAC3 related disorder (ClinVar ID: VCV000488059). The variant has been previously reported as de novo in a similarly affected individual (PMID: 29276006). Therefore, this variant is classified as Likely pathogenic according to the recommendation of ACMG/AMP guideline.

Revvity Omics, Revvity
Classification: Uncertain significance for Neurodevelopmental disorder with structural brain anomalies and dysmorphic facies. Last evaluated: 2021-04-08. Review status: criteria provided, single submitter. Criteria: ACMG Guidelines, 2015. Collection method: clinical testing. Allele origin: germline.

Baylor Genetics
Classification: Likely pathogenic for Neurodevelopmental disorder with structural brain anomalies and dysmorphic facies. Last evaluated: 2020-06-02. Review status: criteria provided, single submitter. Criteria: ACMG Guidelines, 2015. Collection method: clinical testing. Allele origin: unknown. Affected: yes.
Comment: This variant was determined to be likely pathogenic according to ACMG Guidelines, 2015 [PMID:25741868].

Mendelics
Classification: Likely pathogenic for Neurodevelopmental disorder with structural brain anomalies and dysmorphic facies. Last evaluated: 2019-05-28. Review status: criteria provided, single submitter. Criteria: Mendelics Assertion Criteria 2017. Collection method: clinical testing. Allele origin: unknown.

Lupski Lab, Baylor-Hopkins CMG, Baylor College of Medicine
Classification: Likely pathogenic for Distal shortening of limbs. Last evaluated: 2017-06-01. Review status: criteria provided, single submitter. Criteria: White et al. (Am J Hum Genet. 2018). Collection method: research. Allele origin: unknown. Affected: yes.

OMIM
Classification: Pathogenic for NEURODEVELOPMENTAL DISORDER WITH STRUCTURAL BRAIN ANOMALIES AND DYSMORPHIC FACIES. Last evaluated: 2019-09-12. Review status: no assertion criteria provided. Collection method: literature only. Allele origin: germline. Not counted in ClinVar's aggregate classification.

Literature cited by the submitters: PubMed 29276006 (cited by 3billion and OMIM).

NM_005052.3(RAC3):c.176C>G (p.Ala59Gly)

Gene: RAC3 (Rac family small GTPase 3; plus strand). Cytogenetic location: 17q25.3.
Variant type: single nucleotide variant.
Coding change: c.176C>G on transcript NM_005052.3 (MANE Select); coding-DNA position 176, C replaced by G.
Protein change: p.Ala59Gly; replaces alanine 59 with glycine.
Molecular consequence: missense variant.
Genome position (GRCh38, 1-based): chr17:82,032,779, C>G. VCF-style: chr17-82032779-C-G. GRCh37 (hg19) VCF-style: chr17-79990655-C-G.
Other names: c.176C>G, p.Ala59Gly (NM_001316307.2); short protein forms A59G.
Identifiers: ClinVar variation 488059 (VCV000488059.8), dbSNP rs1379395211, ClinGen allele CA401552924.